The following is an entry in ClinVar:

ClinVar aggregate classification (germline): Uncertain significance. Review status: criteria provided, multiple submitters, no conflicts (2 of 4 stars). 2 submissions from 2 submitters: Uncertain significance (2). Last evaluated 2023-12-20.

Conditions:
Familial encephalopathy with neuroserpin inclusion bodies. Also called: ENCEPHALOPATHY, FAMILIAL, WITH COLLINS BODIES. Identifiers: Orphanet 85110, MedGen C1858680, MONDO:0011412, OMIM 604218.
Inborn genetic diseases. Identifiers: MedGen C0950123, MeSH D030342.

Allele frequency attached by ClinVar (database versions not stated): ExAC 0.00001; gnomAD 0.00001; gnomAD exomes 0.00001; TOPMed 0.00001.
gnomAD v4.1: 10 of 1,613,574 alleles (0.00062%); highest among the groups gnomAD compares: Middle Eastern, 0.016%; no homozygotes.

Submissions (2):

Ambry Genetics
Classification: Uncertain significance for Inborn genetic diseases. Last evaluated: 2023-12-20. Review status: criteria provided, single submitter. Criteria: Ambry Variant Classification Scheme 2023. Collection method: clinical testing. Allele origin: germline.

Labcorp Genetics (formerly Invitae), Labcorp
Classification: Uncertain significance for Familial encephalopathy with neuroserpin inclusion bodies. Last evaluated: 2023-04-24. Review status: criteria provided, single submitter. Criteria: Invitae Variant Classification Sherloc (09022015). Collection method: clinical testing. Allele origin: germline.
Comment: In summary, the available evidence is currently insufficient to determine the role of this variant in disease. Therefore, it has been classified as a Variant of Uncertain Significance. Advanced modeling of protein sequence and biophysical properties (such as structural, functional, and spatial information, amino acid conservation, physicochemical variation, residue mobility, and thermodynamic stability) performed at Invitae indicates that this missense variant is not expected to disrupt SERPINI1 protein function. ClinVar contains an entry for this variant (Variation ID: 581921). This variant has not been reported in the literature in individuals affected with SERPINI1-related conditions. This variant is present in population databases (rs762427588, gnomAD 0.002%). This sequence change replaces threonine, which is neutral and polar, with alanine, which is neutral and non-polar, at codon 176 of the SERPINI1 protein (p.Thr176Ala).

NM_001122752.2(SERPINI1):c.526A>G (p.Thr176Ala)

Gene: SERPINI1 (serpin family I member 1; plus strand). Cytogenetic location: 3q26.1.
Variant type: single nucleotide variant.
Coding change: c.526A>G on transcript NM_001122752.2 (MANE Select); coding-DNA position 526, A replaced by G.
Protein change: p.Thr176Ala; replaces threonine 176 with alanine.
Molecular consequence: missense variant.
Genome position (GRCh38, 1-based): chr3:167,792,634, A>G. VCF-style: chr3-167792634-A-G. GRCh37 (hg19) VCF-style: chr3-167510422-A-G.
Other names: c.526A>G, p.Thr176Ala (NM_005025.5); short protein forms T176A.
Identifiers: ClinVar variation 581921 (VCV000581921.10), dbSNP rs762427588, ClinGen allele CA2694831.